The following is an entry in ClinVar:

ClinVar aggregate classification (germline): Conflicting classifications of pathogenicity. Review status: criteria provided, conflicting classifications (1 of 4 stars). 2 submissions from 2 submitters: Uncertain significance (1); Likely benign (1). Last evaluated 2024-10-16.

Conditions:
Wolman disease (WOLD). Also called: Acid cholesteryl ester hydrolase deficiency, Wolman type; Acid lipase disease; LYSOSOMAL ACID LIPASE DEFICIENCY, ACUTE INFANTILE; LYSOSOMAL ACID LIPASE DEFICIENCY, COMPLETE; LIPA DEFICIENCY, COMPLETE; LAL DEFICIENCY, COMPLETE. Identifiers: Orphanet 75233, MedGen C0043208, MONDO:0019148, OMIM 620151.
Cardiovascular phenotype. Identifiers: MedGen CN230736.

Allele frequency attached by ClinVar (database versions not stated): ExAC 0.00005; gnomAD 0.00011; TOPMed 0.00013; 1000 Genomes Project 30x 0.00016; gnomAD exomes 0.00001; 1000 Genomes Project 0.00020; ESP Exome Variant Server 0.00031.
gnomAD v4.1: 39 of 1,614,208 alleles (0.0024%); highest among the groups gnomAD compares: African/African-American, 0.044%; no homozygotes.

Submissions (2):

Labcorp Genetics (formerly Invitae), Labcorp
Classification: Uncertain significance for Wolman disease. Last evaluated: 2024-10-16. Review status: criteria provided, single submitter. Criteria: Invitae Variant Classification Sherloc (09022015). Collection method: clinical testing. Allele origin: germline.
Comment: This sequence change replaces alanine, which is neutral and non-polar, with valine, which is neutral and non-polar, at codon 204 of the LIPA protein (p.Ala204Val). This variant is present in population databases (rs139585872, gnomAD 0.04%). This variant has not been reported in the literature in individuals affected with LIPA-related conditions. ClinVar contains an entry for this variant (Variation ID: 1751719). Invitae Evidence Modeling of protein sequence and biophysical properties (such as structural, functional, and spatial information, amino acid conservation, physicochemical variation, residue mobility, and thermodynamic stability) indicates that this missense variant is not expected to disrupt LIPA protein function with a negative predictive value of 95%. In summary, the available evidence is currently insufficient to determine the role of this variant in disease. Therefore, it has been classified as a Variant of Uncertain Significance.

Ambry Genetics
Classification: Likely benign for Cardiovascular phenotype. Last evaluated: 2021-08-26. Review status: criteria provided, single submitter. Criteria: Ambry Variant Classification Scheme 2023. Collection method: clinical testing. Allele origin: germline.

NM_000235.4(LIPA):c.611C>T (p.Ala204Val)

Gene: LIPA (lipase A, lysosomal acid type; minus strand). Cytogenetic location: 10q23.31.
Variant type: single nucleotide variant.
Coding change: c.611C>T on transcript NM_000235.4 (MANE Select); coding-DNA position 611, C replaced by T.
Protein change: p.Ala204Val; replaces alanine 204 with valine.
Molecular consequence: missense variant.
Genome position (GRCh38, 1-based): chr10:89,225,156, G>A on the plus strand (C>T on the coding strand, the complement: LIPA is on the minus strand). VCF-style: chr10-89225156-G-A. GRCh37 (hg19) VCF-style: chr10-90984913-G-A.
Other names: c.611C>T, p.Ala204Val (NM_001127605.3); c.263C>T, p.Ala88Val (NM_001288979.2); short protein forms A204V, A88V.
Identifiers: ClinVar variation 1751719 (VCV001751719.6), dbSNP rs139585872, ClinGen allele CA5593676.